The following is an entry in ClinVar:

NM_020778.5(ALPK3):c.2674G>A (p.Gly892Arg)

Gene: ALPK3 (alpha kinase 3; plus strand). Cytogenetic location: 15q25.3.
Variant type: single nucleotide variant.
Coding change: c.2674G>A on transcript NM_020778.5 (MANE Select); coding-DNA position 2674, G replaced by A.
Protein change: p.Gly892Arg; replaces glycine 892 with arginine.
Molecular consequence: missense variant.
Genome position (GRCh38, 1-based): chr15:84,857,412, G>A. VCF-style: chr15-84857412-G-A. GRCh37 (hg19) VCF-style: chr15-85400643-G-A.
Other names: short protein forms G1094R, G892R.
Identifiers: ClinVar variation 390635 (VCV000390635.18), dbSNP rs145983200, ClinGen allele CA7709471.

ClinVar aggregate classification (germline): Conflicting classifications of pathogenicity. Review status: criteria provided, conflicting classifications (1 of 4 stars). 6 submissions from 6 submitters: Uncertain significance (4); Likely benign (2). Last evaluated 2026-04-06.

Conditions:
ALPK3-related disorder. Also called: ALPK3-related condition.
Cardiovascular phenotype. Identifiers: MedGen CN230736.

Allele frequency attached by ClinVar (database versions not stated): ExAC 0.00019; TOPMed 0.00019; gnomAD exomes 0.00020 and 0.00049; gnomAD 0.00021 and 0.00023; ESP Exome Variant Server 0.00038.
gnomAD v4.1: 728 of 1,614,044 alleles (0.045%); highest among the groups gnomAD compares: Non-Finnish European, 0.058%; 3 homozygotes.

Submissions (7):

PreventionGenetics, part of Exact Sciences
Classification: Uncertain significance for ALPK3-related condition. Last evaluated: 2026-04-06. Review status: criteria provided, single submitter. Criteria: ACMG Guidelines, 2015. Collection method: clinical testing. Allele origin: germline.
Comment: The ALPK3 c.3280G>A variant is predicted to result in the amino acid substitution p.Gly1094Arg. To our knowledge, this variant has not been reported in the literature. This variant is reported in 0.036% of alleles in individuals of European (Non-Finnish) descent in gnomAD. At this time, the clinical significance of this variant is uncertain due to the absence of conclusive functional and genetic evidence.

Women's Health and Genetics/Laboratory Corporation of America, LabCorp
Classification: Uncertain significance. Last evaluated: 2026-02-23. Review status: criteria provided, single submitter. Criteria: LabCorp Variant Classification Summary - May 2015. Collection method: clinical testing. Allele origin: germline.

Labcorp Genetics (formerly Invitae), Labcorp
Classification: Uncertain significance. Last evaluated: 2025-12-31. Review status: criteria provided, single submitter. Criteria: Invitae Variant Classification Sherloc (09022015). Collection method: clinical testing. Allele origin: germline.
Comment: This sequence change replaces glycine, which is neutral and non-polar, with arginine, which is basic and polar, at codon 1094 of the ALPK3 protein (p.Gly1094Arg). This variant is present in population databases (rs145983200, gnomAD 0.04%). This variant has not been reported in the literature in individuals affected with ALPK3-related conditions. ClinVar contains an entry for this variant (Variation ID: 390635). Invitae Evidence Modeling of protein sequence and biophysical properties (such as structural, functional, and spatial information, amino acid conservation, physicochemical variation, residue mobility, and thermodynamic stability) indicates that this missense variant is not expected to disrupt ALPK3 protein function with a negative predictive value of 80%. In summary, the available evidence is currently insufficient to determine the role of this variant in disease. Therefore, it has been classified as a Variant of Uncertain Significance.

Blueprint Genetics
Classification: Likely benign. Last evaluated: 2024-11-22. Review status: criteria provided, single submitter. Criteria: ACMG Guidelines, 2015. Collection method: clinical testing. Allele origin: germline.

GeneDx
Classification: Uncertain significance. Last evaluated: 2024-06-11. Review status: criteria provided, single submitter. Criteria: GeneDx Variant Classification Process June 2021. Collection method: clinical testing. Allele origin: germline. Affected: yes.
Comment: Has not been previously published as pathogenic or benign to our knowledge; In silico analysis indicates that this missense variant does not alter protein structure/function

Ambry Genetics
Classification: Likely benign for Cardiovascular phenotype. Last evaluated: 2022-10-31. Review status: criteria provided, single submitter. Criteria: Ambry Variant Classification Scheme 2023. Collection method: clinical testing. Allele origin: germline.

Dr. Peter K. Rogan Lab, Western University
No classification provided (evidence only). Condition: Lung cancer. Review status: no classification provided. Collection method: in vitro. Allele origin: not applicable. Functional consequence: retained intron. Not counted in ClinVar's aggregate classification.